The following is an entry in ClinVar:

NM_001278064.2(GRM1):c.2935C>T (p.His979Tyr)

Gene: GRM1 (glutamate metabotropic receptor 1; plus strand). Cytogenetic location: 6q24.3.
Variant type: single nucleotide variant.
Coding change: c.2935C>T on transcript NM_001278064.2 (MANE Select); coding-DNA position 2935, C replaced by T.
Protein change: p.His979Tyr; replaces histidine 979 with tyrosine.
Molecular consequence: missense variant. On other transcripts: 3 prime UTR variant (3).
Genome position (GRCh38, 1-based): chr6:146,434,146, C>T. VCF-style: chr6-146434146-C-T. GRCh37 (hg19) VCF-style: chr6-146755282-C-T.
Other names: c.*299C>T (NM_001278065.2); c.*264C>T (NM_001278066.1); c.*173C>T (NM_001278067.1); short protein forms H979Y.
Identifiers: ClinVar variation 2988867 (VCV002988867.3), dbSNP rs2484162746, ClinGen allele CA366192705.

ClinVar aggregate classification (germline): Uncertain significance (1 of 4 stars; one submission).

Submission:

Labcorp Genetics (formerly Invitae), Labcorp
Classification: Uncertain significance. Last evaluated: 2023-08-17. Review status: criteria provided, single submitter. Criteria: Invitae Variant Classification Sherloc (09022015). Collection method: clinical testing. Allele origin: germline.
Comment: In summary, the available evidence is currently insufficient to determine the role of this variant in disease. Therefore, it has been classified as a Variant of Uncertain Significance. An algorithm developed to predict the effect of missense changes on protein structure and function (PolyPhen-2) suggests that this variant is likely to be tolerated. This variant has not been reported in the literature in individuals affected with GRM1-related conditions. This variant is not present in population databases (gnomAD no frequency). This sequence change replaces histidine, which is basic and polar, with tyrosine, which is neutral and polar, at codon 979 of the GRM1 protein (p.His979Tyr).